The following is an entry in ClinVar:

NM_032380.5(GFM2):c.1626T>G (p.Ile542Met)

Gene: GFM2 (GTP dependent ribosome recycling factor mitochondrial 2; minus strand). Cytogenetic location: 5q13.3.
Variant type: single nucleotide variant.
Coding change: c.1626T>G on transcript NM_032380.5 (MANE Select); coding-DNA position 1626, T replaced by G.
Protein change: p.Ile542Met; replaces isoleucine 542 with methionine.
Molecular consequence: missense variant.
Genome position (GRCh38, 1-based): chr5:74,730,360, A>C on the plus strand (T>G on the coding strand, the complement: GFM2 is on the minus strand). VCF-style: chr5-74730360-A-C. GRCh37 (hg19) VCF-style: chr5-74026185-A-C.
Other names: c.1722T>G, p.Ile574Met (NM_001281302.2); c.1485T>G, p.Ile495Met (NM_170691.3); short protein forms I495M, I542M, I574M.
Identifiers: ClinVar variation 3900480 (VCV003900480.1).

ClinVar aggregate classification (germline): Uncertain significance (1 of 4 stars; one submission).

gnomAD v4.1: 1 of 1,612,124 alleles (0.000062%); highest among the groups gnomAD compares: African/African-American, 0.0013%; no homozygotes.

Submission:

GeneDx
Classification: Uncertain significance. Last evaluated: 2024-11-22. Review status: criteria provided, single submitter. Criteria: GeneDx Variant Classification Process June 2021. Collection method: clinical testing. Allele origin: germline. Affected: yes.
Comment: Not observed at significant frequency in large population cohorts (gnomAD); In silico analysis supports that this missense variant has a deleterious effect on protein structure/function; Has not been previously published as pathogenic or benign to our knowledge